The following is an entry in ClinVar:

ClinVar aggregate classification (germline): Uncertain significance. Review status: criteria provided, multiple submitters, no conflicts (2 of 4 stars). 2 submissions from 2 submitters: Uncertain significance (2). Last evaluated 2022-06-04.

Conditions:
Walker-Warburg congenital muscular dystrophy. Also called: Muscular dystrophy-dystroglycanopathy, type A; Walker-Warburg syndrome. Identifiers: Orphanet 899, MedGen C0265221, MONDO:0000171.
Muscular dystrophy-dystroglycanopathy (congenital with impaired intellectual development), type B, 1. Also called: Muscular dystrophy-dystroglycanopathy (congenital with intellectual disability), type B1; MUSCULAR DYSTROPHY, CONGENITAL, POMT1-RELATED. Identifiers: MedGen C5436962, MONDO:0013159, OMIM 613155.
Autosomal recessive limb-girdle muscular dystrophy type 2K. Also called: MUSCULAR DYSTROPHY-DYSTROGLYCANOPATHY (LIMB-GIRDLE), TYPE C, 1; MUSCULAR DYSTROPHY, LIMB-GIRDLE, TYPE 2K. Identifiers: Orphanet 86812, MedGen C1836373, MONDO:0012248, OMIM 609308.

Allele frequency attached by ClinVar (database versions not stated): gnomAD exomes 0.00002; TOPMed 0.00002; 1000 Genomes Project 0.00020; gnomAD 0.00001; ExAC 0.00002; 1000 Genomes Project 30x 0.00016.

Submissions (2):

Labcorp Genetics (formerly Invitae), Labcorp
Classification: Uncertain significance for Muscular dystrophy-dystroglycanopathy (congenital with impaired intellectual development), type B, 1; Walker-Warburg congenital muscular dystrophy; Autosomal recessive limb-girdle muscular dystrophy type 2K. Last evaluated: 2022-06-04. Review status: criteria provided, single submitter. Criteria: Invitae Variant Classification Sherloc (09022015). Collection method: clinical testing. Allele origin: germline.
Comment: This sequence change replaces aspartic acid, which is acidic and polar, with asparagine, which is neutral and polar, at codon 83 of the POMT1 protein (p.Asp83Asn). This variant is present in population databases (rs530211718, gnomAD 0.007%). This variant has not been reported in the literature in individuals affected with POMT1-related conditions. ClinVar contains an entry for this variant (Variation ID: 290628). Algorithms developed to predict the effect of missense changes on protein structure and function are either unavailable or do not agree on the potential impact of this missense change (SIFT: "Deleterious"; PolyPhen-2: "Probably Damaging"; Align-GVGD: "Class C15"). In summary, the available evidence is currently insufficient to determine the role of this variant in disease. Therefore, it has been classified as a Variant of Uncertain Significance.

Eurofins Ntd Llc (ga)
Classification: Uncertain significance. Last evaluated: 2016-09-06. Review status: criteria provided, single submitter. Criteria: EGL Classification Definitions 2015. Collection method: clinical testing. Allele origin: germline. Observed: 1 variant allele, 1 heterozygote.

NM_001077365.2(POMT1):c.247G>A (p.Asp83Asn)

Gene: POMT1 (protein O-mannosyltransferase 1; plus strand). Cytogenetic location: 9q34.13.
Variant type: single nucleotide variant.
Coding change: c.247G>A on transcript NM_001077365.2 (MANE Select); coding-DNA position 247, G replaced by A.
Protein change: p.Asp83Asn; replaces aspartic acid 83 with asparagine.
Molecular consequence: missense variant. On other transcripts: 5 prime UTR variant (4), non-coding transcript variant (10), intron variant (3).
Genome position (GRCh38, 1-based): chr9:131,506,420, G>A. VCF-style: chr9-131506420-G-A. GRCh37 (hg19) VCF-style: chr9-134381807-G-A.
Other names: c.85G>A, p.Asp29Asn (NM_001077366.2, NM_001353194.2, NM_001353197.2 and 3 more transcripts); c.247G>A, p.Asp83Asn (NM_001136113.2, NM_001353193.2, NM_001374690.1 and 1 more transcripts); c.-105G>A (NM_001136114.2, NM_001353195.2, NM_001353199.2); c.140G>A, p.Arg47Gln (NM_001353196.2); c.-63G>A (NM_001353200.2); c.-71-948G>A (NM_001374691.1, NM_001374692.1); c.-30+2080G>A (NM_001374695.1); short protein forms D83N, D29N, R47Q.
Identifiers: ClinVar variation 290628 (VCV000290628.10), dbSNP rs530211718, ClinGen allele CA5293203.